The following is an entry in ClinVar:

ClinVar aggregate classification (germline): Uncertain significance. Review status: criteria provided, multiple submitters, no conflicts (2 of 4 stars). 3 submissions from 3 submitters: Uncertain significance (3). Last evaluated 2026-09-10.

Conditions:
Hyperkalemic periodic paralysis. Also called: Familial hyperkalemic periodic paralysis; Gamstorp disease. Identifiers: Orphanet 682, MedGen C0238357, MONDO:0008224, OMIM 170500, HP:0007215.

Allele frequency attached by ClinVar (database versions not stated): gnomAD exomes below 0.00001.
gnomAD v4.1: 1 of 1,614,164 alleles (0.000062%); highest among the groups gnomAD compares: Non-Finnish European, 0.000085%; no homozygotes.

Submissions (3):

GeneDx
Classification: Uncertain significance. Last evaluated: 2026-09-10. Review status: criteria provided, single submitter. Criteria: GeneDx Variant Classification Process June 2021. Collection method: clinical testing. Allele origin: germline.
Comment: Not observed at significant frequency in large population cohorts (gnomAD); In silico analysis supports that this missense variant has a deleterious effect on protein structure/function; Has not been previously published as pathogenic or benign to our knowledge

Labcorp Genetics (formerly Invitae), Labcorp
Classification: Uncertain significance for Hyperkalemic periodic paralysis. Last evaluated: 2024-12-05. Review status: criteria provided, single submitter. Criteria: Invitae Variant Classification Sherloc (09022015). Collection method: clinical testing. Allele origin: germline.
Comment: This sequence change replaces serine, which is neutral and polar, with arginine, which is basic and polar, at codon 1609 of the SCN4A protein (p.Ser1609Arg). This variant is not present in population databases (gnomAD no frequency). This variant has not been reported in the literature in individuals affected with SCN4A-related conditions. ClinVar contains an entry for this variant (Variation ID: 448284). Invitae Evidence Modeling of protein sequence and biophysical properties (such as structural, functional, and spatial information, amino acid conservation, physicochemical variation, residue mobility, and thermodynamic stability) indicates that this missense variant is not expected to disrupt SCN4A protein function with a negative predictive value of 95%. In summary, the available evidence is currently insufficient to determine the role of this variant in disease. Therefore, it has been classified as a Variant of Uncertain Significance.

Athena Diagnostics
Classification: Uncertain significance. Last evaluated: 2023-03-06. Review status: criteria provided, single submitter. Criteria: Athena Diagnostics Criteria. Collection method: clinical testing. Allele origin: unknown.
Comment: Available data are insufficient to determine the clinical significance of the variant at this time. This variant has been identified in at least one individual with clinical features associated with this gene. This variant has not been reported in large, multi-ethnic general populations. Computational tools disagree on the variant's effect on normal protein function.

NM_000334.4(SCN4A):c.4825A>C (p.Ser1609Arg)

Genes: GH-LCR (growth hormone locus control region; plus strand), SCN4A (sodium voltage-gated channel alpha subunit 4; minus strand). Cytogenetic location: 17q23.3.
Variant type: single nucleotide variant.
Coding change: c.4825A>C on transcript NM_000334.4 (MANE Select); coding-DNA position 4825, A replaced by C.
Protein change: p.Ser1609Arg; replaces serine 1609 with arginine.
Molecular consequence: missense variant.
Genome position (GRCh38, 1-based): chr17:63,941,457, T>G on the plus strand (A>C on the coding strand, the complement: SCN4A is on the minus strand). VCF-style: chr17-63941457-T-G. GRCh37 (hg19) VCF-style: chr17-62018817-T-G.
Other names: short protein forms S1609R.
Identifiers: ClinVar variation 448284 (VCV000448284.11), dbSNP rs1555600678, ClinGen allele CA400614890.